The following is an entry in ClinVar:

ClinVar aggregate classification (germline): Uncertain significance (1 of 4 stars; one submission).

Allele frequency attached by ClinVar (database versions not stated): gnomAD exomes below 0.00001; TOPMed below 0.00001; ExAC 0.00001.
gnomAD v4.1: 2 of 1,614,100 alleles (0.00012%); highest among the groups gnomAD compares: Admixed American, 0.0017%; no homozygotes.

Submission:

Labcorp Genetics (formerly Invitae), Labcorp
Classification: Uncertain significance. Last evaluated: 2022-03-28. Review status: criteria provided, single submitter. Criteria: Invitae Variant Classification Sherloc (09022015). Collection method: clinical testing. Allele origin: germline.
Comment: In summary, the available evidence is currently insufficient to determine the role of this variant in disease. Therefore, it has been classified as a Variant of Uncertain Significance. Algorithms developed to predict the effect of missense changes on protein structure and function (SIFT, PolyPhen-2, Align-GVGD) all suggest that this variant is likely to be tolerated. This variant has not been reported in the literature in individuals affected with GNPTG-related conditions. This variant is present in population databases (rs754928775, gnomAD 0.003%). This sequence change replaces asparagine, which is neutral and polar, with histidine, which is basic and polar, at codon 244 of the GNPTG protein (p.Asn244His).

NM_032520.5(GNPTG):c.730A>C (p.Asn244His)

Gene: GNPTG (N-acetylglucosamine-1-phosphate transferase subunit gamma; plus strand). Cytogenetic location: 16p13.3.
Variant type: single nucleotide variant.
Coding change: c.730A>C on transcript NM_032520.5 (MANE Select); coding-DNA position 730, A replaced by C.
Protein change: p.Asn244His; replaces asparagine 244 with histidine.
Molecular consequence: missense variant.
Genome position (GRCh38, 1-based): chr16:1,362,731, A>C. VCF-style: chr16-1362731-A-C. GRCh37 (hg19) VCF-style: chr16-1412732-A-C.
Other names: short protein forms N244H.
Identifiers: ClinVar variation 1902527 (VCV001902527.5), dbSNP rs754928775, ClinGen allele CA7807898.
Genomic context (GRCh38, chr16:1,362,731, plus strand): 5'-GAAAATGAACCCACCCAGCTGGAGGGAGGTCCTGACAGCTTGGGGTTTGAGACCCTGGAA[A>C]ACTGCAGGAAGGTACCGTATTGGGGGGAGGTGGTGGCACGCAGTAGCCCTCCAGCACCTG-3'
Protein context (NP_115909.1, residues 234-254): PDSLGFETLE[Asn244His]CRKAHKELSK